The following is an entry in ClinVar:

NM_015330.6(SPECC1L):c.1970A>C (p.Glu657Ala)

Genes: SPECC1L (sperm antigen with calponin homology and coiled-coil domains 1 like; plus strand), SPECC1L-ADORA2A (SPECC1L-ADORA2A readthrough (NMD candidate); plus strand). Cytogenetic location: 22q11.23.
Variant type: single nucleotide variant.
Coding change: c.1970A>C on transcript NM_015330.6 (MANE Select); coding-DNA position 1970, A replaced by C.
Protein change: p.Glu657Ala; replaces glutamic acid 657 with alanine.
Molecular consequence: missense variant. On other transcripts: non-coding transcript variant (1).
Genome position (GRCh38, 1-based): chr22:24,324,251, A>C. VCF-style: chr22-24324251-A-C. GRCh37 (hg19) VCF-style: chr22-24720219-A-C.
Other names: c.1970A>C, p.Glu657Ala (NM_001145468.4, NM_001254732.3); c.1970A>C (NM_015330.4); short protein forms E657A.
Identifiers: ClinVar variation 3960831 (VCV003960831.2).

ClinVar aggregate classification (germline): Uncertain significance. Review status: criteria provided, multiple submitters, no conflicts (2 of 4 stars). 2 submissions from 2 submitters: Uncertain significance (2). Last evaluated 2026-07-02.

Conditions:
SPECC1L-related disorder. Also called: SPECC1L-related condition.
Inborn genetic diseases. Identifiers: MedGen C0950123, MeSH D030342.

gnomAD v4.1: 26 of 1,614,064 alleles (0.0016%); highest among the groups gnomAD compares: East Asian, 0.02%; no homozygotes.

Submissions (2):

PreventionGenetics, part of Exact Sciences
Classification: Uncertain significance for SPECC1L-related condition. Last evaluated: 2026-07-02. Review status: criteria provided, single submitter. Criteria: ACMG Guidelines, 2015. Collection method: clinical testing. Allele origin: germline.
Comment: The SPECC1L c.1970A>C variant is predicted to result in the amino acid substitution p.Glu657Ala. To our knowledge, this variant has not been reported in the literature. This variant is reported in 0.038% of alleles in individuals of East Asian descent in gnomAD. At this time, the clinical significance of this variant is uncertain due to the absence of conclusive functional and genetic evidence.

Ambry Genetics
Classification: Uncertain significance for Inborn genetic diseases. Last evaluated: 2025-06-10. Review status: criteria provided, single submitter. Criteria: Ambry Variant Classification Scheme 2023. Collection method: clinical testing. Allele origin: germline.